The following is an entry in ClinVar:

NM_206933.4(USH2A):c.15393_15394insGG (p.Thr5132fs)

Gene: USH2A (usherin; minus strand). Cytogenetic location: 1q41.
Variant type: Insertion.
Coding change: c.15393_15394insGG on transcript NM_206933.4 (MANE Select); coding-DNA positions 15393 to 15394, GG inserted.
Protein change: p.Thr5132fs; shifts the reading frame from threonine 5132.
Molecular consequence: frameshift variant.
Genome position: GRCh38 VCF-style: chr1-215628939-T-TCC. GRCh37 (hg19) VCF-style: chr1-215802281-T-TCC.
Other names: short protein forms T5132fs.
Identifiers: ClinVar variation 1452528 (VCV001452528.6), dbSNP rs2102625236, ClinGen allele CA2573131533.

ClinVar aggregate classification (germline): Pathogenic (1 of 4 stars; one submission).

Submission:

Labcorp Genetics (formerly Invitae), Labcorp
Classification: Pathogenic. Last evaluated: 2021-10-13. Review status: criteria provided, single submitter. Criteria: Invitae Variant Classification Sherloc (09022015). Collection method: clinical testing. Allele origin: germline.
Comment: For these reasons, this variant has been classified as Pathogenic. This variant has not been reported in the literature in individuals affected with USH2A-related conditions. This variant is not present in population databases (ExAC no frequency). This sequence change creates a premature translational stop signal (p.Thr5132Glyfs*4) in the USH2A gene. It is expected to result in an absent or disrupted protein product. Loss-of-function variants in USH2A are known to be pathogenic (PMID: 10729113, 10909849, 20507924, 25649381).

Literature cited by the submitters: PubMed 10729113; PubMed 10909849; PubMed 20507924; PubMed 25649381.